The following is an entry in ClinVar:

NM_007118.4(TRIO):c.1294G>A (p.Ala432Thr)

Gene: TRIO (trio Rho guanine nucleotide exchange factor; plus strand). Cytogenetic location: 5p15.2.
Variant type: single nucleotide variant.
Coding change: c.1294G>A on transcript NM_007118.4 (MANE Select); coding-DNA position 1294, G replaced by A.
Protein change: p.Ala432Thr; replaces alanine 432 with threonine.
Molecular consequence: missense variant. On other transcripts: non-coding transcript variant (1).
Genome position (GRCh38, 1-based): chr5:14,297,189, G>A. VCF-style: chr5-14297189-G-A. GRCh37 (hg19) VCF-style: chr5-14297298-G-A.
Other names: short protein forms A432T.
Identifiers: ClinVar variation 2507133 (VCV002507133.1), dbSNP rs1050284498, ClinGen allele CA113963633.
Genomic context (GRCh38, chr5:14,297,189, plus strand): 5'-GGCCACTATGCCTCGCAGCAGATCAGGCAGATCGCGAGTCAGCTGGAGCAGGAGTGGAAG[G>A]CGTTTGCGGCAGCCCTGGATGAGCGGAGCACCTTGCTGGACATGTCCTCCATTTTCCACC-3'
Protein context (NP_009049.2, residues 422-442): IASQLEQEWK[Ala432Thr]FAAALDERST

ClinVar aggregate classification (germline): Uncertain significance (1 of 4 stars; one submission).

Allele frequency attached by ClinVar (database versions not stated): gnomAD exomes below 0.00001.
gnomAD v4.1: 2 of 1,614,224 alleles (0.00012%); highest among the groups gnomAD compares: East Asian, 0.0022%; no homozygotes.

Submission:

GeneDx
Classification: Uncertain significance. Last evaluated: 2022-12-31. Review status: criteria provided, single submitter. Criteria: GeneDx Variant Classification Process June 2021. Collection method: clinical testing. Allele origin: germline. Affected: yes.
Comment: Not observed at significant frequency in large population cohorts (gnomAD); In silico analysis supports that this missense variant does not alter protein structure/function; Has not been previously published as pathogenic or benign to our knowledge